The following is an entry in ClinVar:

NM_000059.4(BRCA2):c.8403del (p.Pro2802fs)

Gene: BRCA2 (BRCA2 DNA repair associated; plus strand). Cytogenetic location: 13q13.1.
Variant type: Deletion.
Coding change: c.8403del on transcript NM_000059.4 (MANE Select); coding-DNA position 8403, one base deleted (T; older notation c.8403delT).
Protein change: p.Pro2802fs; shifts the reading frame from proline 2802.
Molecular consequence: frameshift variant.
Genome position (GRCh38, 1-based): chr13:32,370,473, T deleted; the last of 4 consecutive T bases (chr13:32,370,470-32,370,473); deleting any one gives the same sequence. VCF-style (leftmost placement, unchanged base first): chr13-32370469-CT-C. GRCh37 (hg19) VCF-style: chr13-32944606-CT-C.
Other names: c.8403delT (NM_000059.3); short protein forms P2802fs.
Identifiers: ClinVar variation 646411 (VCV000646411.4), dbSNP rs1593930303, ClinGen allele CA915946894.
Genomic context (GRCh38, chr13:32,370,469, plus strand): 5'-CTAACAGTACTCGGCCTGCTCGCTGGTATACCAAACTTGGATTCTTTCCTGACCCTAGAC[CT>C]TTTCCTCTGCCCTTATCATCGCTTTTCAGTGATGGAGGAAATGTTGGTTGTGTTGATGTA-3'

ClinVar aggregate classification (germline): Pathogenic (1 of 4 stars; one submission).

Conditions:
Hereditary breast ovarian cancer syndrome. Also called: Hereditary breast and ovarian cancer; Hereditary breast and ovarian cancer syndrome; BRCA1- and BRCA2-Associated Hereditary Breast and Ovarian Cancer; Hereditary breast and ovarian cancer syndrome (HBOC); Breast and ovarian cancer; Hereditary breast and/or ovarian cancer syndrome. Identifiers: Orphanet 145, MedGen C0677776, MeSH D061325, MONDO:0003582. Disease mechanism: loss of function.

Submission:

Labcorp Genetics (formerly Invitae), Labcorp
Classification: Pathogenic for Hereditary breast ovarian cancer syndrome. Last evaluated: 2023-04-22. Review status: criteria provided, single submitter. Criteria: Invitae Variant Classification Sherloc (09022015). Collection method: clinical testing. Allele origin: germline.
Comment: This variant has not been reported in the literature in individuals affected with BRCA2-related conditions. This variant is not present in population databases (gnomAD no frequency). This sequence change creates a premature translational stop signal (p.Pro2802Leufs*19) in the BRCA2 gene. It is expected to result in an absent or disrupted protein product. Loss-of-function variants in BRCA2 are known to be pathogenic (PMID: 20104584). For these reasons, this variant has been classified as Pathogenic. ClinVar contains an entry for this variant (Variation ID: 646411).

Literature cited by the submitters: PubMed 20104584.